The following is an entry in ClinVar:

ClinVar aggregate classification (germline): Uncertain significance (1 of 4 stars; one submission).

Allele frequency attached by ClinVar (database versions not stated): gnomAD exomes below 0.00001.
gnomAD v4.1: 3 of 1,612,826 alleles (0.00019%); highest among the groups gnomAD compares: Admixed American, 0.0017%; no homozygotes.

Submission:

Labcorp Genetics (formerly Invitae), Labcorp
Classification: Uncertain significance. Last evaluated: 2023-12-07. Review status: criteria provided, single submitter. Criteria: Invitae Variant Classification Sherloc (09022015). Collection method: clinical testing. Allele origin: germline.
Comment: This sequence change replaces threonine, which is neutral and polar, with alanine, which is neutral and non-polar, at codon 116 of the PEX3 protein (p.Thr116Ala). This variant is present in population databases (no rsID available, gnomAD 0.0009%). This variant has not been reported in the literature in individuals affected with PEX3-related conditions. ClinVar contains an entry for this variant (Variation ID: 1377540). Advanced modeling of protein sequence and biophysical properties (such as structural, functional, and spatial information, amino acid conservation, physicochemical variation, residue mobility, and thermodynamic stability) performed at Invitae indicates that this missense variant is not expected to disrupt PEX3 protein function with a negative predictive value of 80%. In summary, the available evidence is currently insufficient to determine the role of this variant in disease. Therefore, it has been classified as a Variant of Uncertain Significance.

NM_003630.3(PEX3):c.346A>G (p.Thr116Ala)

Gene: PEX3 (peroxisomal biogenesis factor 3; plus strand). Cytogenetic location: 6q24.2.
Variant type: single nucleotide variant.
Coding change: c.346A>G on transcript NM_003630.3 (MANE Select); coding-DNA position 346, A replaced by G.
Protein change: p.Thr116Ala; replaces threonine 116 with alanine.
Molecular consequence: missense variant.
Genome position (GRCh38, 1-based): chr6:143,470,975, A>G. VCF-style: chr6-143470975-A-G. GRCh37 (hg19) VCF-style: chr6-143792112-A-G.
Other names: short protein forms T116A.
Identifiers: ClinVar variation 1377540 (VCV001377540.6), dbSNP rs1381540653, ClinGen allele CA365909521.